The following is an entry in ClinVar:

ClinVar aggregate classification (germline): Pathogenic/Likely pathogenic. Review status: criteria provided, multiple submitters, no conflicts (2 of 4 stars). 4 submissions from 4 submitters: Pathogenic (1); Likely pathogenic (1). 2 of the submissions do not count toward it. Last evaluated 2022-02-03.

Conditions:
Hereditary von Willebrand disease. Identifiers: Orphanet 903, MedGen C5703318, MONDO:0019565. Inheritance: Autosomal recessive or Autosomal dominant.
von Willebrand disease type 1 (VWD1). Also called: VWD, TYPE 1; VON WILLEBRAND DISEASE, TYPE I. Identifiers: Orphanet 166078, Orphanet 903, MedGen C1264039, MONDO:0008668, OMIM 193400. Inheritance: autosomal recessive or autosomal dominant.

Submissions (4):

Laboratory of Hematology, Radboud University Medical Center
Classification: Pathogenic for von Willebrand disease type 1. Last evaluated: 2022-02-03. Review status: criteria provided, single submitter. Criteria: ACMG Guidelines, 2015. Collection method: research. Allele origin: germline. Affected: yes. Observed: 2 variant alleles. Study: WIN study.

NIHR Bioresource Rare Diseases, University of Cambridge
Classification: Likely pathogenic for von Willebrand disorder. Last evaluated: 2019-02-01. Review status: criteria provided, single submitter. Criteria: ACMG Guidelines, 2015. Collection method: research. Allele origin: unknown. Affected: yes. Observed: 1 heterozygote. Study: ThromboGenomics.

Academic Unit of Haematology, University of Sheffield
No classification provided. Review status: no classification provided. Collection method: not provided. Allele origin: not provided. Not counted in ClinVar's aggregate classification.

ISTH-SSC Genomics in Thrombosis and Hemostasis, KU Leuven, Center for Molecular and Vascular Biology
Classification: Pathogenic for von Willebrand disorder. Review status: no assertion criteria provided. Collection method: clinical testing. Allele origin: maternal. Affected: yes. Not counted in ClinVar's aggregate classification.
Comment: Submitted to GoldVariant by Prof Kathleen Freson from Center for Molecular and Vascular Biology, Leuven, Belgium

Literature cited by the submitters: PubMed 31064749 (cited by NIHR Bioresource Rare Diseases, University of Cambridge).

NM_000552.5(VWF):c.421G>A (p.Asp141Asn)

Gene: VWF (von Willebrand factor; minus strand). Cytogenetic location: 12p13.31.
Variant type: single nucleotide variant.
Coding change: c.421G>A on transcript NM_000552.5 (MANE Select); coding-DNA position 421, G replaced by A.
Protein change: p.Asp141Asn; replaces aspartic acid 141 with asparagine.
Molecular consequence: missense variant.
Genome position (GRCh38, 1-based): chr12:6,110,485, C>T on the plus strand (G>A on the coding strand, the complement: VWF is on the minus strand). VCF-style: chr12-6110485-C-T. GRCh37 (hg19) VCF-style: chr12-6219651-C-T.
Other names: p.D141N; short protein forms D141N.
Identifiers: ClinVar variation 100338 (VCV000100338.6), dbSNP rs61753992, ClinGen allele CA228557.